The following is an entry in ClinVar:

NM_000465.4(BARD1):c.1400A>G (p.Glu467Gly)

Gene: BARD1 (BRCA1 associated RING domain 1; minus strand). Cytogenetic location: 2q35.
Variant type: single nucleotide variant.
Coding change: c.1400A>G on transcript NM_000465.4 (MANE Select); coding-DNA position 1400, A replaced by G.
Protein change: p.Glu467Gly; replaces glutamic acid 467 with glycine.
Molecular consequence: missense variant. On other transcripts: non-coding transcript variant (3), intron variant (3).
Genome position (GRCh38, 1-based): chr2:214,767,650, T>C on the plus strand (A>G on the coding strand, the complement: BARD1 is on the minus strand). VCF-style: chr2-214767650-T-C. GRCh37 (hg19) VCF-style: chr2-215632374-T-C.
Other names: c.1343A>G, p.Glu448Gly (NM_001282543.2); c.159-15095A>G (NM_001282548.2); c.216-15095A>G (NM_001282545.2); c.364+24647A>G (NM_001282549.2); short protein forms E467G, E448G.
Identifiers: ClinVar variation 479148 (VCV000479148.20), dbSNP rs993612204, ClinGen allele CA64780107.

ClinVar aggregate classification (germline): Uncertain significance. Review status: criteria provided, multiple submitters, no conflicts (2 of 4 stars). 5 submissions from 5 submitters: Uncertain significance (5). Last evaluated 2025-11-18.

Conditions:
Hereditary cancer-predisposing syndrome. Also called: Neoplastic Syndromes, Hereditary; Hereditary Cancer Syndrome; Hereditary neoplastic syndrome; Tumor predisposition. Identifiers: Orphanet 140162, MedGen C0027672, MeSH D009386, MONDO:0015356.
Familial cancer of breast. Also called: BREAST CANCER, FAMILIAL; hereditary breast carcinoma; Hereditary breast cancer. Identifiers: Orphanet 227535, MedGen C0346153, MONDO:0016419, OMIM 114480. Disease mechanism: loss of function.

Allele frequency attached by ClinVar (database versions not stated): gnomAD exomes below 0.00001; gnomAD 0.00001; TOPMed 0.00001.

Submissions (5):

Ambry Genetics
Classification: Uncertain significance for Hereditary cancer-predisposing syndrome. Last evaluated: 2025-11-18. Review status: criteria provided, single submitter. Criteria: Ambry Variant Classification Scheme 2023. Collection method: clinical testing. Allele origin: germline.
Comment: The p.E467G variant (also known as c.1400A>G), located in coding exon 6 of the BARD1 gene, results from an A to G substitution at nucleotide position 1400. The glutamic acid at codon 467 is replaced by glycine, an amino acid with similar properties. This amino acid position is highly conserved in available vertebrate species. In addition, this alteration is predicted to be deleterious by in silico analysis. Since supporting evidence is limited at this time, the clinical significance of this alteration remains unclear.

Color Diagnostics, LLC DBA Color Health
Classification: Uncertain significance for Hereditary cancer-predisposing syndrome. Last evaluated: 2025-08-25. Review status: criteria provided, single submitter. Criteria: ACMG Guidelines, 2015. Collection method: clinical testing. Allele origin: germline.
Comment: This missense variant replaces glutamic acid with glycine at codon 467 of the BARD1 protein. Computational prediction is inconclusive regarding the impact of this variant on protein structure and function. To our knowledge, functional studies have not been reported for this variant. This variant has not been reported in individuals affected with BARD1-related disorders in the literature. This variant has been identified in 1/251012 chromosomes in the general population by the Genome Aggregation Database (gnomAD). The available evidence is insufficient to determine the role of this variant in disease conclusively. Therefore, this variant is classified as a Variant of Uncertain Significance.

Molecular Diagnostics Laboratory, Catalan Institute of Oncology
Classification: Uncertain significance for Hereditary cancer-predisposing syndrome. Last evaluated: 2025-02-24. Review status: criteria provided, single submitter. Criteria: ACMG Guidelines, 2015. Collection method: clinical testing. Allele origin: germline.
Comment: PM2_Supporting c.1400A>G, located in exon 6 of the BARD1 gene, is predicted to result in the substitution of glutamic acid by glycine at codon 467, p.(Glu467Gly). This variant is found in 1/236484 alleles at a frequency of 0.0004% in the gnomAD v2.1.1 database, non-cancer dataset (PM2_supporting). The SpliceAI algorithm predicts no significant impact on splicing and the REVEL meta-predictor score (0.585) for this variant is indeterminate regarding the effect that it may have on protein function according Pejaver 2022 thresholds (PMID: 36413997). To our knowledge, neither relevant clinical data nor well-stablished functional studies have been reported for this variant. It has been reported in the ClinVar database (3x uncertain significance) and in the LOVD database (1x uncertain significance). Based on the currently available information, c.1400A>G is classified as an uncertain significance variant according to ACMG guidelines.

Labcorp Genetics (formerly Invitae), Labcorp
Classification: Uncertain significance for Familial cancer of breast. Last evaluated: 2024-12-03. Review status: criteria provided, single submitter. Criteria: Invitae Variant Classification Sherloc (09022015). Collection method: clinical testing. Allele origin: germline.
Comment: This sequence change replaces glutamic acid, which is acidic and polar, with glycine, which is neutral and non-polar, at codon 467 of the BARD1 protein (p.Glu467Gly). This variant is present in population databases (no rsID available, gnomAD 0.0009%). This variant has not been reported in the literature in individuals affected with BARD1-related conditions. ClinVar contains an entry for this variant (Variation ID: 479148). An algorithm developed to predict the effect of missense changes on protein structure and function (PolyPhen-2) suggests that this variant is likely to be disruptive. In summary, the available evidence is currently insufficient to determine the role of this variant in disease. Therefore, it has been classified as a Variant of Uncertain Significance.

GeneDx
Classification: Uncertain significance. Last evaluated: 2019-01-18. Review status: criteria provided, single submitter. Criteria: GeneDx Variant Classification Process June 2021. Collection method: clinical testing. Allele origin: germline. Affected: yes.
Comment: Not observed at a significant frequency in large population cohorts (Lek 2016); In silico analysis supports that this missense variant has a deleterious effect on protein structure/function; Has not been previously published as pathogenic or benign to our knowledge